The following is an entry in ClinVar:

ClinVar aggregate classification (germline): Uncertain significance. Review status: criteria provided, multiple submitters, no conflicts (2 of 4 stars). 2 submissions from 2 submitters: Uncertain significance (2). Last evaluated 2024-12-25.

Conditions:
Inborn genetic diseases. Identifiers: MedGen C0950123, MeSH D030342.

gnomAD v4.1: 5 of 1,608,828 alleles (0.00031%); highest among the groups gnomAD compares: Non-Finnish European, 0.00043%; no homozygotes.

Submissions (2):

Ambry Genetics
Classification: Uncertain significance for Inborn genetic diseases. Last evaluated: 2024-12-25. Review status: criteria provided, single submitter. Criteria: Ambry Variant Classification Scheme 2023. Collection method: clinical testing. Allele origin: germline.
Comment: The p.K535Q variant (also known as c.1603A>C), located in coding exon 10 of the ERCC6L2 gene, results from an A to C substitution at nucleotide position 1603. The lysine at codon 535 is replaced by glutamine, an amino acid with similar properties. This amino acid position is conserved. In addition, the in silico prediction for this alteration is inconclusive. Based on the available evidence, the clinical significance of this variant remains unclear.

Labcorp Genetics (formerly Invitae), Labcorp
Classification: Uncertain significance. Last evaluated: 2024-07-31. Review status: criteria provided, single submitter. Criteria: Invitae Variant Classification Sherloc (09022015). Collection method: clinical testing. Allele origin: germline.
Comment: This sequence change replaces lysine, which is basic and polar, with glutamine, which is neutral and polar, at codon 546 of the ERCC6L2 protein (p.Lys546Gln). This variant is not present in population databases (gnomAD no frequency). This variant has not been reported in the literature in individuals affected with ERCC6L2-related conditions. Experimental studies and prediction algorithms are not available or were not evaluated, and the functional significance of this variant is currently unknown. Algorithms developed to predict the effect of sequence changes on RNA splicing suggest that this variant may disrupt the consensus splice site. In summary, the available evidence is currently insufficient to determine the role of this variant in disease. Therefore, it has been classified as a Variant of Uncertain Significance.

NM_020207.7(ERCC6L2):c.1603A>C (p.Lys535Gln)

Gene: ERCC6L2 (ERCC excision repair 6 like 2; plus strand). Cytogenetic location: 9q22.32.
Variant type: single nucleotide variant.
Coding change: c.1603A>C on transcript NM_020207.7 (MANE Select); coding-DNA position 1603, A replaced by C.
Protein change: p.Lys535Gln; replaces lysine 535 with glutamine.
Molecular consequence: missense variant. On other transcripts: non-coding transcript variant (1).
Genome position (GRCh38, 1-based): chr9:95,928,148, A>C. VCF-style: chr9-95928148-A-C. GRCh37 (hg19) VCF-style: chr9-98690430-A-C.
Other names: c.1603A>C, p.Lys535Gln (NM_001010895.4, NM_001375291.1, NM_001375292.1 and 2 more transcripts); short protein forms K535Q.
Identifiers: ClinVar variation 3625178 (VCV003625178.3).